The following is an entry in ClinVar:

ClinVar aggregate classification (germline): Uncertain significance. Review status: criteria provided, multiple submitters, no conflicts (2 of 4 stars). 2 submissions from 2 submitters: Uncertain significance (2). Last evaluated 2024-10-01.

gnomAD v4.1: 3 of 1,607,164 alleles (0.00019%); highest among the groups gnomAD compares: Non-Finnish European, 0.00025%; no homozygotes.

Submissions (2):

Women's Health and Genetics/Laboratory Corporation of America, LabCorp
Classification: Uncertain significance. Last evaluated: 2024-10-01. Review status: criteria provided, single submitter. Criteria: LabCorp Variant Classification Summary - May 2015. Collection method: clinical testing. Allele origin: germline.
Comment: Variant summary: CREBBP c.4957G>A (p.Asp1653Asn) results in a conservative amino acid change located in the CBP/p300-type histone acetyltransferase domain (IPR031162) of the encoded protein sequence. Four of five in-silico tools predict a damaging effect of the variant on protein function. The frequency data for this variant in gnomAD is considered unreliable, as metrics indicate poor data quality at this position. To our knowledge, no occurrence of c.4957G>A in individuals affected with Rubinstein-Taybi Syndrome and no experimental evidence demonstrating its impact on protein function have been reported. No submitters have cited clinical-significance assessments for this variant to ClinVar. Based on the evidence outlined above, the variant was classified as uncertain significance.

GeneDx
Classification: Uncertain significance. Last evaluated: 2024-03-22. Review status: criteria provided, single submitter. Criteria: GeneDx Variant Classification Process June 2021. Collection method: clinical testing. Allele origin: germline. Affected: yes.
Comment: Not observed at significant frequency in large population cohorts (gnomAD); In silico analysis supports that this missense variant has a deleterious effect on protein structure/function; Has not been previously published as pathogenic or benign to our knowledge; This variant is associated with the following publications: (PMID: 12070251)

NM_004380.3(CREBBP):c.4957G>A (p.Asp1653Asn)

Gene: CREBBP (CREB binding protein; minus strand). Cytogenetic location: 16p13.3.
Variant type: single nucleotide variant.
Coding change: c.4957G>A on transcript NM_004380.3 (MANE Select); coding-DNA position 4957, G replaced by A.
Protein change: p.Asp1653Asn; replaces aspartic acid 1653 with asparagine.
Molecular consequence: missense variant.
Genome position (GRCh38, 1-based): chr16:3,731,407, C>T on the plus strand (G>A on the coding strand, the complement: CREBBP is on the minus strand). VCF-style: chr16-3731407-C-T. GRCh37 (hg19) VCF-style: chr16-3781408-C-T.
Other names: c.4843G>A, p.Asp1615Asn (NM_001079846.1); short protein forms D1615N, D1653N.
Identifiers: ClinVar variation 3342704 (VCV003342704.2).